The following is an entry in ClinVar:

ClinVar aggregate classification (germline): Uncertain significance. Review status: reviewed by expert panel (3 of 4 stars). 2 submissions from 2 submitters: Uncertain significance (1). 1 of the submissions does not count toward it. Last evaluated 2025-05-23.

Conditions:
Hurler syndrome. Also called: MUCOPOLYSACCHARIDOSIS TYPE IH; Severe MPS I (Hurler Syndrome); Gargoylism, Hurler Syndrome. Identifiers: Orphanet 93473, MedGen C0086795, MONDO:0011758, OMIM 607014.
Mucopolysaccharidosis type 1. Also called: IDUA deficiency; MPS I; Mucopolysaccharidosis Type I. Identifiers: Orphanet 579, MedGen C0023786, MONDO:0001586.

Submissions (2):

ClinGen Lysosomal Storage Disorder Variant Curation Expert Panel
Classification: Uncertain significance for Mucopolysaccharidosis type 1. Last evaluated: 2025-05-23. Review status: reviewed by expert panel. Criteria: ClinGen LSD ACMG Specifications IDUA V1.0.0. Collection method: curation. Allele origin: germline. Inheritance: Autosomal recessive inheritance.
Comment: The NM_000203.5:c.1195_1197del variant in IDUA is predicted to cause a change in the length of the protein due to an in-frame deletion of 1 amino acid in a non-repeat region (p.Glu399del) (PM4_Supporting). PM3 is not met at the current time. The highest population minor allele frequency in gnomAD v4.1.0 is 0.00002607 (2/76708 alleles) in the South Asian population, which is lower than the ClinGen Lysosomal Diseases VCEP’s threshold for PM2_Supporting (<0.00025), meeting this criterion (PM2_Supporting). The computational predictor MutPred-Indel gives a score of 0.77931 which above the threshold of 0.5 and the computational predictor PROVEAN gives a score of -7.064 which below the threshold of -2.5, evidence that correlates with impact to IDUA function at the supporting level (PP3). There is a ClinVar entry for this variant (Variation ID: 2498386. In summary, this variant meets the criteria to be classified as a VUS due to insufficient evidence for MPS I based on the IDUA-specific ACMG/AMP criteria applied, as specified by the ClinGen Lysosomal Diseases Variant Curation Expert panel (Specifications Version 1.0.0): PM4_supporting, PM2_supporting. PP3, PP4. (Classification approved by the ClinGen Lysosomal Diseases Variant Curation Expert Panel, May 23, 2025)

Foundation for Research in Genetics and Endocrinology, FRIGE's Institute of Human Genetics
Classification: Likely pathogenic for Hurler syndrome. Last evaluated: 2023-04-18. Review status: criteria provided, single submitter. Criteria: ACMG Guidelines, 2015. Collection method: clinical testing. Allele origin: germline. Inheritance: Autosomal recessive inheritance. Affected: yes. Observed: 1 homozygote. Not counted in ClinVar's aggregate classification.
Comment: A homozygous variation in exon 9 of the IDUA gene that detected. The observed variant c.1195_1197del has not been reported in the 1000 genomes and gnomAD databases. The reference codon is conserved across species. In summary, the variant meets our criteria to be classified as likely pathogenic.

NM_000203.5(IDUA):c.1192GAG[1] (p.Glu399del)

Gene: IDUA (alpha-L-iduronidase; plus strand). Cytogenetic location: 4p16.3.
Variant type: Microsatellite.
Coding change: c.1192GAG[1] on transcript NM_000203.5 (MANE Select); one copy of the 3-base unit GAG starting at c.1192; the reference has two copies in a row; one copy, 3 bases deleted; also written c.1195_1197del.
Protein change: p.Glu399del; deletes glutamic acid 399.
Molecular consequence: inframe deletion. On other transcripts: non-coding transcript variant (1).
Genome position (GRCh38, 1-based): chr4:1,002,737-1,002,739, GAG deleted; deleting any 3 consecutive bases within chr4:1,002,734-1,002,739 gives the same sequence; the position shown is the placement nearest the transcript's 3' end. VCF-style (leftmost placement, unchanged base first): chr4-1002733-TGAG-T. GRCh37 (hg19) VCF-style: chr4-996521-TGAG-T.
Other names: p.Glu399del; NM_001363576.1:c.799_801del; c.796GAG[1], p.Glu267del (NM_001363576.1); c.1195_1197del (NM_000203.5); short protein forms E267del, E399del.
Identifiers: ClinVar variation 2498386 (VCV002498386.3), dbSNP rs1715175891, ClinGen allele CA549264677.